The following is an entry in ClinVar:

ClinVar aggregate classification (germline): Pathogenic (1 of 4 stars; one submission).

Submission:

Labcorp Genetics (formerly Invitae), Labcorp
Classification: Pathogenic. Last evaluated: 2022-05-19. Review status: criteria provided, single submitter. Criteria: Invitae Variant Classification Sherloc (09022015). Collection method: clinical testing. Allele origin: germline.
Comment: This variant is not present in population databases (gnomAD no frequency). This sequence change creates a premature translational stop signal (p.Gln849*) in the HR gene. It is expected to result in an absent or disrupted protein product. Loss-of-function variants in HR are known to be pathogenic (PMID: 17869066, 18164595). For these reasons, this variant has been classified as Pathogenic. This variant has not been reported in the literature in individuals affected with HR-related conditions.

Literature cited by the submitters: PubMed 17869066; PubMed 18164595.

NM_005144.5(HR):c.2545C>T (p.Gln849Ter)

Gene: HR (HR lysine demethylase and nuclear receptor corepressor; minus strand). Cytogenetic location: 8p21.3.
Variant type: single nucleotide variant.
Coding change: c.2545C>T on transcript NM_005144.5 (MANE Select); coding-DNA position 2545, C replaced by T.
Protein change: p.Gln849Ter; replaces glutamine 849 with a stop codon.
Molecular consequence: nonsense.
Genome position (GRCh38, 1-based): chr8:22,120,781, G>A on the plus strand (C>T on the coding strand, the complement: HR is on the minus strand). VCF-style: chr8-22120781-G-A. GRCh37 (hg19) VCF-style: chr8-21978294-G-A.
Other names: c.2545C>T, p.Gln849Ter (NM_018411.4); short protein forms Q849*.
Identifiers: ClinVar variation 2111487 (VCV002111487.4), dbSNP rs2538875189, ClinGen allele CA370518792.